The following is an entry in ClinVar:

ClinVar aggregate classification (germline): Uncertain significance (1 of 4 stars; one submission).

Conditions:
Classic or attenuated familial adenomatous polyposis. Identifiers: MedGen CN372698, MONDO:0021057.

Submission:

All of Us Research Program, National Institutes of Health
Classification: Uncertain significance for Classic or attenuated familial adenomatous polyposis. Last evaluated: 2024-04-16. Review status: criteria provided, single submitter. Criteria: ACMG Guidelines, 2015. Collection method: clinical testing. Allele origin: germline. Inheritance: Autosomal dominant inheritance. Observed: 1 variant allele, 1 heterozygote.
Comment: This missense variant replaces serine with leucine at codon 713 of the APC protein. Computational prediction is inconclusive regarding the impact of this variant on protein structure and function (internally defined REVEL score threshold 0.5 < inconclusive < 0.7, PMID: 27666373). To our knowledge, functional studies have not been reported for this variant. This variant has not been reported in individuals affected with APC-related disorders in the literature. This variant has not been identified in the general population by the Genome Aggregation Database (gnomAD). The available evidence is insufficient to determine the role of this variant in disease conclusively. Therefore, this variant is classified as a Variant of Uncertain Significance.

This study involves interpretation of variants in research participants for the purpose of population health screening. Participant phenotype was not available at the time of variant classification. Additional details can be found in publication PMID: 35346344, PMCID: PMC8962531

NM_000038.6(APC):c.2138C>T (p.Ser713Leu)

Gene: APC (APC regulator of WNT signaling pathway; plus strand). Cytogenetic location: 5q22.2.
Variant type: single nucleotide variant.
Coding change: c.2138C>T on transcript NM_000038.6 (MANE Select); coding-DNA position 2138, C replaced by T.
Protein change: p.Ser713Leu; replaces serine 713 with leucine.
Molecular consequence: missense variant. On other transcripts: non-coding transcript variant (2).
Genome position (GRCh38, 1-based): chr5:112,837,732, C>T. VCF-style: chr5-112837732-C-T. GRCh37 (hg19) VCF-style: chr5-112173429-C-T.
Other names: c.2138C>T, p.Ser713Leu (NM_001127510.3, NM_001354895.2, NM_001407450.1); c.2084C>T, p.Ser695Leu (NM_001127511.3); c.2192C>T, p.Ser731Leu (NM_001354896.2, NM_001407447.1, NM_001407448.1 and 1 more transcripts); c.2168C>T, p.Ser723Leu (NM_001354897.2); c.2063C>T, p.Ser688Leu (NM_001354898.2); c.2054C>T, p.Ser685Leu (NM_001354899.2); c.2015C>T, p.Ser672Leu (NM_001354900.2); c.1961C>T, p.Ser654Leu (NM_001354901.2, NM_001407453.1); and 11 more; short protein forms S329L, S430L, S553L, S584L, S587L, S612L, S622L, S630L.
Identifiers: ClinVar variation 3386255 (VCV003386255.1).